The following is an entry in ClinVar:

NM_000092.5(COL4A4):c.1361G>C (p.Gly454Ala)

Gene: COL4A4 (collagen type IV alpha 4 chain; minus strand). Cytogenetic location: 2q36.3.
Variant type: single nucleotide variant.
Coding change: c.1361G>C on transcript NM_000092.5 (MANE Select); coding-DNA position 1361, G replaced by C.
Protein change: p.Gly454Ala; replaces glycine 454 with alanine.
Molecular consequence: missense variant.
Genome position (GRCh38, 1-based): chr2:227,094,133, C>G on the plus strand (G>C on the coding strand, the complement: COL4A4 is on the minus strand). VCF-style: chr2-227094133-C-G. GRCh37 (hg19) VCF-style: chr2-227958849-C-G.
Other names: short protein forms G454A.
Identifiers: ClinVar variation 1432123 (VCV001432123.6), dbSNP rs2150685500, ClinGen allele CA350852005.
Genomic context (GRCh38, chr2:227,094,133, plus strand): 5'-AAATATCAAAAGCAGCATAAATGCTAATGGATATGAATAAGGAGTACTTTACCACTTGAT[C>G]CTGGGAGGCCCTGCAGGCCTGGTGCTCCAGGCAAGCCAGGTGATCCTGGCTTCCCTGGTT-3'
Protein context (NP_000083.3, residues 444-464): PGAPGLQGLP[Gly454Ala]SSVIYCSVGN

ClinVar aggregate classification (germline): Uncertain significance (1 of 4 stars; one submission).

Submission:

Labcorp Genetics (formerly Invitae), Labcorp
Classification: Uncertain significance. Last evaluated: 2025-06-12. Review status: criteria provided, single submitter. Criteria: Invitae Variant Classification Sherloc (09022015). Collection method: clinical testing. Allele origin: germline.
Comment: This sequence change replaces glycine, which is neutral and non-polar, with alanine, which is neutral and non-polar, at codon 454 of the COL4A4 protein (p.Gly454Ala). This variant is not present in population databases (gnomAD no frequency). This variant has not been reported in the literature in individuals affected with COL4A4-related conditions. ClinVar contains an entry for this variant (Variation ID: 1432123). Invitae Evidence Modeling of protein sequence and biophysical properties (such as structural, functional, and spatial information, amino acid conservation, physicochemical variation, residue mobility, and thermodynamic stability) indicates that this missense variant is not expected to disrupt COL4A4 protein function with a negative predictive value of 95%. In summary, the available evidence is currently insufficient to determine the role of this variant in disease. Therefore, it has been classified as a Variant of Uncertain Significance.